The following is an entry in ClinVar:

NM_004982.4(KCNJ8):c.457C>T (p.Pro153Ser)

Genes: KCNJ8 (potassium inwardly rectifying channel subfamily J member 8; minus strand), KCNJ8-AS1 (KCNJ8 antisense RNA 1; plus strand). Cytogenetic location: 12p12.1.
Variant type: single nucleotide variant.
Coding change: c.457C>T on transcript NM_004982.4 (MANE Select); coding-DNA position 457, C replaced by T.
Protein change: p.Pro153Ser; replaces proline 153 with serine.
Molecular consequence: missense variant.
Genome position (GRCh38, 1-based): chr12:21,766,541, G>A on the plus strand (C>T on the coding strand, the complement: KCNJ8 is on the minus strand). VCF-style: chr12-21766541-G-A. GRCh37 (hg19) VCF-style: chr12-21919475-G-A.
Other names: short protein forms P153S.
Identifiers: ClinVar variation 3532503 (VCV003532503.2).

ClinVar aggregate classification (germline): Uncertain significance. Review status: criteria provided, multiple submitters, no conflicts (2 of 4 stars). 2 submissions from 2 submitters: Uncertain significance (2). Last evaluated 2025-04-18.

Conditions:
Cardiovascular phenotype. Identifiers: MedGen CN230736.
Brugada syndrome. Also called: Sudden Unexplained Death Syndrome; Sudden Unexplained Nocturnal Death Syndrome (SUNDS); Sudden unexpected nocturnal death syndrome; Sudden unexplained nocturnal death syndrome. Identifiers: Orphanet 130, MedGen C1142166, MONDO:0015263.

gnomAD v4.1: 3 of 1,610,478 alleles (0.00019%); highest among the groups gnomAD compares: Non-Finnish European, 0.00017%; no homozygotes.

Submissions (2):

Labcorp Genetics (formerly Invitae), Labcorp
Classification: Uncertain significance for Brugada syndrome. Last evaluated: 2025-04-18. Review status: criteria provided, single submitter. Criteria: Invitae Variant Classification Sherloc (09022015). Collection method: clinical testing. Allele origin: germline.
Comment: This sequence change replaces proline, which is neutral and non-polar, with serine, which is neutral and polar, at codon 153 of the KCNJ8 protein (p.Pro153Ser). This variant is not present in population databases (gnomAD no frequency). This variant has not been reported in the literature in individuals affected with KCNJ8-related conditions. ClinVar contains an entry for this variant (Variation ID: 3532503). Invitae Evidence Modeling of protein sequence and biophysical properties (such as structural, functional, and spatial information, amino acid conservation, physicochemical variation, residue mobility, and thermodynamic stability) indicates that this missense variant is not expected to disrupt KCNJ8 protein function with a negative predictive value of 80%. In summary, the available evidence is currently insufficient to determine the role of this variant in disease. Therefore, it has been classified as a Variant of Uncertain Significance.

Ambry Genetics
Classification: Uncertain significance for Cardiovascular phenotype. Last evaluated: 2024-09-04. Review status: criteria provided, single submitter. Criteria: Ambry Variant Classification Scheme 2023. Collection method: clinical testing. Allele origin: germline.
Comment: The p.P153S variant (also known as c.457C>T), located in coding exon 2 of the KCNJ8 gene, results from a C to T substitution at nucleotide position 457. The proline at codon 153 is replaced by serine, an amino acid with similar properties. This amino acid position is conserved. In addition, the in silico prediction for this alteration is inconclusive. Based on the available evidence, the clinical significance of this variant remains unclear.